The following is an entry in ClinVar:

ClinVar aggregate classification (germline): Likely benign (1 of 4 stars; one submission).

Conditions:
Breast-ovarian cancer, familial, susceptibility to, 2 (BROVCA2). Also called: BRCA2 Hereditary Breast and Ovarian Cancer. Identifiers: Orphanet 145, MedGen C2675520, MONDO:0012933, OMIM 612555. Disease mechanism: loss of function.

gnomAD v4.1: 1 of 1,609,790 alleles (0.000062%); highest among the groups gnomAD compares: South Asian, 0.0011%; no homozygotes.

Submission:

Cancer Bioinformatics and Tumour Evolution Laboratory, Monash University
Classification: Likely benign for Breast-ovarian cancer, familial, susceptibility to, 2. Last evaluated: 2026-05-01. Review status: criteria provided, single submitter. Criteria: ClinGen BRCA1 and BRCA2 Guidelines, 2024. Collection method: curation. Allele origin: germline. Inheritance: Autosomal dominant inheritance.
Comment: Missense variant outside of a functional domain with no splice impact. BRCA1 and BRCA2 VCEP guidelines recommend application of BP1_Strong (PMID: 39142283)

NM_000059.4(BRCA2):c.2509G>C (p.Glu837Gln)

Gene: BRCA2 (BRCA2 DNA repair associated; plus strand). Cytogenetic location: 13q13.1.
Variant type: single nucleotide variant.
Coding change: c.2509G>C on transcript NM_000059.4 (MANE Select); coding-DNA position 2509, G replaced by C.
Protein change: p.Glu837Gln; replaces glutamic acid 837 with glutamine.
Molecular consequence: missense variant. On other transcripts: non-coding transcript variant (1), intron variant (2).
Genome position (GRCh38, 1-based): chr13:32,336,864, G>C. VCF-style: chr13-32336864-G-C. GRCh37 (hg19) VCF-style: chr13-32911001-G-C.
Other names: c.2509G>C, p.Glu837Gln (NM_001406719.1, NM_001406720.1, NM_001432077.1); c.1909+3477G>C (NM_001406721.1); c.424+5834G>C (NM_001406722.1); short protein forms E837Q.
Identifiers: ClinVar variation 4856434 (VCV004856434.1).